The following is an entry in ClinVar:

NM_002691.4(POLD1):c.3203_3206dup (p.Ile1070fs)

Gene: POLD1 (DNA polymerase delta 1, catalytic subunit; plus strand). Cytogenetic location: 19q13.33.
Variant type: Duplication.
Coding change: c.3203_3206dup on transcript NM_002691.4 (MANE Select); coding-DNA positions 3203 to 3206, 4 bases duplicated (ACGT; older notation c.3203_3206dupACGT).
Protein change: p.Ile1070fs; shifts the reading frame from isoleucine 1070.
Molecular consequence: frameshift variant. On other transcripts: non-coding transcript variant (1).
Genome position (GRCh38, 1-based): chr19:50,417,254-50,417,257, ACGT duplicated. VCF-style (leftmost placement, unchanged base first): chr19-50417253-G-GACGT. GRCh37 (hg19) VCF-style: chr19-50920510-G-GACGT.
Other names: c.3203_3206dup, p.Ile1070fs (NM_001256849.1); c.3281_3284dup, p.Ile1096fs (NM_001308632.1); short protein forms I1096fs, I1070fs.
Identifiers: ClinVar variation 948142 (VCV000948142.7), dbSNP rs2039340549, ClinGen allele CA1139666572.

ClinVar aggregate classification (germline): Uncertain significance (1 of 4 stars; one submission).

Conditions:
POLD1-related polyposis and colorectal cancer syndrome (CRCS10). Also called: Colorectal cancer 10; COLORECTAL CANCER, SUSCEPTIBILITY TO, ON CHROMOSOME 19q; Colorectal cancer, susceptibility to, 10. Identifiers: Orphanet 220460, MedGen C2675481, MONDO:0012953, OMIM 612591.

Submission:

Labcorp Genetics (formerly Invitae), Labcorp
Classification: Uncertain significance for POLD1-related polyposis and colorectal cancer syndrome. Last evaluated: 2019-04-15. Review status: criteria provided, single submitter. Criteria: Invitae Variant Classification Sherloc (09022015). Collection method: clinical testing. Allele origin: germline.
Comment: This variant is not present in population databases (ExAC no frequency). Missense variants that disrupt the 3'-5' exonuclease (proof-reading) activity of the POLD1 protein, while not abolishing its polymerase enzyme activity, are associated with an increased risk for colonic adenomatous polyps and colon cancer (PMID: 23263490, 23447401). Loss-of-function variants, which result in an absent or severely disrupted POLD1 protein, are therefore unlikely to be associated with disease. Without further clinical and genetic evidence, however, this variant has been classified as a Variant of Uncertain Significance. This variant has not been reported in the literature in individuals with POLD1-related conditions. This sequence change results in a premature translational stop signal in the POLD1 gene (p.Ile1070Argfs*37). While this is not anticipated to result in nonsense mediated decay, it is expected to disrupt the last 38 amino acids of the POLD1 protein.

Literature cited by the submitters: PubMed 23263490; PubMed 23447401.